The following is an entry in ClinVar:

NM_004415.4(DSP):c.2794-12C>T

Gene: DSP (desmoplakin; plus strand). Cytogenetic location: 6p24.3.
Variant type: single nucleotide variant.
Coding change: c.2794-12C>T on transcript NM_004415.4 (MANE Select); 12 bases into the intron before coding-DNA position 2794, C replaced by T.
Molecular consequence: intron variant.
Genome position (GRCh38, 1-based): chr6:7,576,947, C>T. VCF-style: chr6-7576947-C-T. GRCh37 (hg19) VCF-style: chr6-7577180-C-T.
Other names: c.2794-12C>T (NM_001319034.2, NM_001008844.3).
Identifiers: ClinVar variation 1613720 (VCV001613720.9), dbSNP rs1759258114, ClinGen allele CA1608609613.

ClinVar aggregate classification (germline): Likely benign. Review status: criteria provided, multiple submitters, no conflicts (2 of 4 stars). 2 submissions from 2 submitters: Likely benign (2). Last evaluated 2024-04-25.

Conditions:
Arrhythmogenic right ventricular dysplasia 8 (ARVD8). Also called: Arrhythmogenic Right Ventricular Dysplasia/Cardiomyopathy 8; ARRHYTHMOGENIC RIGHT VENTRICULAR DYSPLASIA, FAMILIAL, 8; ARRHYTHMOGENIC RIGHT VENTRICULAR CARDIOMYOPATHY 8. Identifiers: MedGen C1843896, MONDO:0011831, OMIM 607450.
Arrhythmogenic cardiomyopathy with wooly hair and keratoderma. Also called: Arrhythmogenic cardiomyopathy with woolly hair and keratoderma; Carvajal syndrome; Dilated cardiomyopathy with woolly hair and keratoderma; PALMOPLANTAR KERATODERMA WITH LEFT VENTRICULAR CARDIOMYOPATHY AND WOOLLY HAIR. Identifiers: Orphanet 65282, MedGen C1854063, MONDO:0011581, OMIM 605676.

Submissions (2):

All of Us Research Program, National Institutes of Health
Classification: Likely benign for Arrhythmogenic cardiomyopathy with wooly hair and keratoderma. Last evaluated: 2024-04-25. Review status: criteria provided, single submitter. Criteria: ACMG Guidelines, 2015. Collection method: clinical testing. Allele origin: germline. Inheritance: Autosomal dominant inheritance. Observed: 1 variant allele, 1 heterozygote.
Comment: This study involves interpretation of variants in research participants for the purpose of population health screening. Participant phenotype was not available at the time of variant classification. Additional details can be found in publication PMID: 35346344, PMCID: PMC8962531

Labcorp Genetics (formerly Invitae), Labcorp
Classification: Likely benign for Arrhythmogenic cardiomyopathy with wooly hair and keratoderma; Arrhythmogenic right ventricular dysplasia 8. Last evaluated: 2021-10-28. Review status: criteria provided, single submitter. Criteria: Invitae Variant Classification Sherloc (09022015). Collection method: clinical testing. Allele origin: germline.